The following is an entry in ClinVar:

NM_004036.5(ADCY3):c.1196+1G>T

Gene: ADCY3 (adenylate cyclase 3; minus strand). Cytogenetic location: 2p23.3.
Variant type: single nucleotide variant.
Coding change: c.1196+1G>T on transcript NM_004036.5 (MANE Select); the canonical splice donor site of the intron after coding-DNA position 1196, G replaced by T.
Molecular consequence: splice donor variant.
Genome position (GRCh38, 1-based): chr2:24,841,258, C>A on the plus strand (G>T on the coding strand, the complement: ADCY3 is on the minus strand). VCF-style: chr2-24841258-C-A. GRCh37 (hg19) VCF-style: chr2-25064127-C-A.
Other names: NC_000002.11:g.25064127C>A; c.1196+1G>T (NM_001377130.1, NM_001377129.1, NM_001320613.2 and 3 more transcripts); c.473+1G>T (NM_001377131.1).
Identifiers: ClinVar variation 4512098 (VCV004512098.2).

ClinVar aggregate classification (germline): Likely pathogenic (1 of 4 stars; one submission).

Conditions:
ADCY3-related disorder. Also called: ADCY3-related condition.

Submissions (2):

PreventionGenetics, part of Exact Sciences
Classification: Likely pathogenic for ADCY3-related condition. Last evaluated: 2025-12-31. Review status: criteria provided, single submitter. Criteria: ACMG Guidelines, 2015. Collection method: clinical testing. Allele origin: germline.
Comment: The ADCY3 c.1196+1G>T variant is predicted to disrupt the GT donor site and interfere with normal splicing. To our knowledge, this variant has not been reported in the literature. This variant is reported in 0.0015% of alleles in individuals of European (Non-Finnish) descent in gnomAD. Variants that disrupt the consensus splice donor site in ADCY3 are expected to be pathogenic. This variant is interpreted as likely pathogenic.

Dr. Peter K. Rogan Lab, Western University
No classification provided (evidence only). Condition: Chronic lymphocytic leukemia/small lymphocytic lymphoma. Review status: no classification provided. Collection method: in vitro. Allele origin: not applicable. Functional consequence: skipped exon, retained intron. Not counted in ClinVar's aggregate classification.